The following is an entry in ClinVar:

ClinVar aggregate classification (germline): Benign/Likely benign. Review status: criteria provided, multiple submitters, no conflicts (2 of 4 stars). 2 submissions from 2 submitters: Benign (1); Likely benign (1). Last evaluated 2023-10-05.

Allele frequency attached by ClinVar (database versions not stated): gnomAD 0.00001; ExAC 0.00002; gnomAD exomes 0.00003; TOPMed 0.00004; ESP Exome Variant Server 0.00008.
gnomAD v4.1: 50 of 1,610,236 alleles (0.0031%); highest among the groups gnomAD compares: Non-Finnish European, 0.0038%; no homozygotes.

Submissions (2):

Labcorp Genetics (formerly Invitae), Labcorp
Classification: Benign. Last evaluated: 2023-10-05. Review status: criteria provided, single submitter. Criteria: Invitae Variant Classification Sherloc (09022015). Collection method: clinical testing. Allele origin: germline.

CeGaT Center for Human Genetics Tuebingen
Classification: Likely benign. Last evaluated: 2022-08-01. Review status: criteria provided, single submitter. Criteria: CeGaT Center For Human Genetics Tuebingen Variant Classification Criteria Version 2. Collection method: clinical testing. Allele origin: germline. Affected: yes. Observed: 1 variant allele.
Comment: KMT2B: BP4

NM_014727.3(KMT2B):c.3747C>T (p.Cys1249=)

Gene: KMT2B (lysine methyltransferase 2B; plus strand). Cytogenetic location: 19q13.12.
Variant type: single nucleotide variant.
Coding change: c.3747C>T on transcript NM_014727.3 (MANE Select); coding-DNA position 3747, C replaced by T.
Protein change: p.Cys1249=; no amino-acid change (cysteine 1249 retained).
Molecular consequence: synonymous variant.
Genome position (GRCh38, 1-based): chr19:35,725,583, C>T. VCF-style: chr19-35725583-C-T. GRCh37 (hg19) VCF-style: chr19-36216484-C-T.
Identifiers: ClinVar variation 2649741 (VCV002649741.27), dbSNP rs374979821, ClinGen allele CA9384848.